The following is an entry in ClinVar:

NM_025132.4(WDR19):c.332T>G (p.Phe111Cys)

Gene: WDR19 (WD repeat domain 19; plus strand). Cytogenetic location: 4p14.
Variant type: single nucleotide variant.
Coding change: c.332T>G on transcript NM_025132.4 (MANE Select); coding-DNA position 332, T replaced by G.
Protein change: p.Phe111Cys; replaces phenylalanine 111 with cysteine.
Molecular consequence: missense variant. On other transcripts: intron variant (1).
Genome position (GRCh38, 1-based): chr4:39,194,585, T>G. VCF-style: chr4-39194585-T-G. GRCh37 (hg19) VCF-style: chr4-39196205-T-G.
Other names: c.-75+4804T>G (NM_001317924.2); short protein forms F111C.
Identifiers: ClinVar variation 2131149 (VCV002131149.4), dbSNP rs1726518430, ClinGen allele CA356631742.

ClinVar aggregate classification (germline): Uncertain significance (1 of 4 stars; one submission).

Conditions:
Senior-Loken syndrome 8 (SLSN8). Identifiers: Orphanet 3156, MedGen C4225376, MONDO:0014579, OMIM 616307.
Asphyxiating thoracic dystrophy 5 (SRTD5). Also called: SHORT-RIB THORACIC DYSPLASIA 5 WITH OR WITHOUT POLYDACTYLY; SHORT-RIB THORACIC DYSPLASIA 5 WITHOUT POLYDACTYLY. Identifiers: Orphanet 474, MedGen C3280598, MONDO:0013717, OMIM 614376.

Allele frequency attached by ClinVar (database versions not stated): gnomAD 0.00001.
gnomAD v4.1: 1 of 1,613,292 alleles (0.000062%); highest among the groups gnomAD compares: African/African-American, 0.0013%; no homozygotes.

Submission:

Labcorp Genetics (formerly Invitae), Labcorp
Classification: Uncertain significance for Senior-Loken syndrome 8; Asphyxiating thoracic dystrophy 5. Last evaluated: 2022-04-28. Review status: criteria provided, single submitter. Criteria: Invitae Variant Classification Sherloc (09022015). Collection method: clinical testing. Allele origin: germline.
Comment: This variant has not been reported in the literature in individuals affected with WDR19-related conditions. This variant is not present in population databases (gnomAD no frequency). This sequence change replaces phenylalanine, which is neutral and non-polar, with cysteine, which is neutral and slightly polar, at codon 111 of the WDR19 protein (p.Phe111Cys). In summary, the available evidence is currently insufficient to determine the role of this variant in disease. Therefore, it has been classified as a Variant of Uncertain Significance. Algorithms developed to predict the effect of missense changes on protein structure and function are either unavailable or do not agree on the potential impact of this missense change (SIFT: "Deleterious"; PolyPhen-2: "Benign"; Align-GVGD: "Class C15").